The following is an entry in ClinVar:

ClinVar aggregate classification (germline): Uncertain significance. Review status: criteria provided, multiple submitters, no conflicts (2 of 4 stars). 3 submissions from 3 submitters: Uncertain significance (3). Last evaluated 2024-04-06.

Conditions:
Congenital disorder of glycosylation with defective fucosylation 2 (CDGF2). Identifiers: MedGen C5193028, MONDO:0020777, OMIM 618324.

Allele frequency attached by ClinVar (database versions not stated): TOPMed 0.00003; ExAC 0.00001; gnomAD 0.00001.
gnomAD v4.1: 6 of 1,613,866 alleles (0.00037%); highest among the groups gnomAD compares: African/African-American, 0.008%; no homozygotes.

Submissions (3):

Ambry Genetics
Classification: Uncertain significance. Last evaluated: 2024-04-06. Review status: criteria provided, single submitter. Criteria: Ambry Variant Classification Scheme 2023. Collection method: clinical testing. Allele origin: germline.

Labcorp Genetics (formerly Invitae), Labcorp
Classification: Uncertain significance. Last evaluated: 2023-01-15. Review status: criteria provided, single submitter. Criteria: Invitae Variant Classification Sherloc (09022015). Collection method: clinical testing. Allele origin: germline.
Comment: This variant has not been reported in the literature in individuals affected with FUK-related conditions. In summary, the available evidence is currently insufficient to determine the role of this variant in disease. Therefore, it has been classified as a Variant of Uncertain Significance. Algorithms developed to predict the effect of missense changes on protein structure and function (SIFT, PolyPhen-2, Align-GVGD) all suggest that this variant is likely to be disruptive. This variant is present in population databases (rs777223721, gnomAD 0.02%). This sequence change replaces glycine, which is neutral and non-polar, with valine, which is neutral and non-polar, at codon 1028 of the FUK protein (p.Gly1028Val).

Juno Genomics, Hangzhou Juno Genomics, Inc
Classification: Uncertain significance for Congenital disorder of glycosylation with defective fucosylation 2. Review status: criteria provided, single submitter. Criteria: ACMG Guidelines, 2015. Collection method: clinical testing. Allele origin: germline.
Comment: Absent from controls (or at extremely low frequency if recessive) in Genome Aggregation Database.;Multiple lines of computational evidence support a deleterious effect on the gene or gene product.

NM_145059.3(FCSK):c.3083G>T (p.Gly1028Val)

Gene: FCSK (fucose kinase; plus strand). Cytogenetic location: 16q22.1.
Variant type: single nucleotide variant.
Coding change: c.3083G>T on transcript NM_145059.3 (MANE Select); coding-DNA position 3083, G replaced by T.
Protein change: p.Gly1028Val; replaces glycine 1028 with valine.
Molecular consequence: missense variant.
Genome position (GRCh38, 1-based): chr16:70,479,333, G>T. VCF-style: chr16-70479333-G-T. GRCh37 (hg19) VCF-style: chr16-70513236-G-T.
Other names: c.3083G>T (NM_145059.2); short protein forms G1028V.
Identifiers: ClinVar variation 3012335 (VCV003012335.6), dbSNP rs777223721, ClinGen allele CA8143863.